The following is an entry in ClinVar:

NM_006031.6(PCNT):c.3200_3202delinsGTGAAAAGAAAACTGCTTTGCATT (p.His1067_Glu1068delinsArgGluLysLysThrAlaLeuHisTer)

Gene: PCNT (pericentrin; plus strand). Cytogenetic location: 21q22.3.
Variant type: Indel.
Coding change: c.3200_3202delinsGTGAAAAGAAAACTGCTTTGCATT on transcript NM_006031.6 (MANE Select); coding-DNA positions 3200 to 3202, ATG replaced by GTGAAAAGAAAACTGCTTTGCATT.
Protein change: p.His1067_Glu1068delinsArgGluLysLysThrAlaLeuHisTer.
Molecular consequence: nonsense.
Genome position (GRCh38, 1-based): chr21:46,381,728-46,381,730, ATG replaced by GTGAAAAGAAAACTGCTTTGCATT. VCF-style: chr21-46381728-ATG-GTGAAAAGAAAACTGCTTTGCATT. GRCh37 (hg19) VCF-style: chr21-47801643-ATG-GTGAAAAGAAAACTGCTTTGCATT.
Other names: c.2846_2848delinsGTGAAAAGAAAACTGCTTTGCATT, p.His949_Glu950delinsArgGluLysLysThrAlaLeuHisTer (NM_001315529.2).
Identifiers: ClinVar variation 5000679 (VCV005000679.1).

ClinVar aggregate classification (germline): Likely pathogenic (1 of 4 stars; one submission).

Conditions:
PCNT-related disorder. Also called: PCNT-related condition.

Submission:

PreventionGenetics, part of Exact Sciences
Classification: Likely pathogenic for PCNT-related condition. Last evaluated: 2025-03-14. Review status: criteria provided, single submitter. Criteria: ACMG Guidelines, 2015. Collection method: clinical testing. Allele origin: germline.
Comment: The PCNT c.3200_3202delinsGTGAAAAGAAAACTGCTTTGCATT variant is predicted to result in an in-frame deletion and insertion. which is predicted to result in the deletion and insertion of eight amino acids from codon 1067 to 1073 and the introduction a premature protein termination at codon 1074. To our knowledge, this variant has not been reported in the literature or in a large population database (gnomAD), indicating this variant is rare. Premature termination variants in PCNT are expected to be pathogenic. This variant is interpreted as likely pathogenic.